The following is an entry in ClinVar:

ClinVar aggregate classification (germline): Uncertain significance (1 of 4 stars; one submission).

Allele frequency attached by ClinVar (database versions not stated): ExAC 0.00001.
gnomAD v4.1: 9 of 1,614,034 alleles (0.00056%); highest among the groups gnomAD compares: East Asian, 0.0022%; no homozygotes.

Submission:

Labcorp Genetics (formerly Invitae), Labcorp
Classification: Uncertain significance. Last evaluated: 2022-07-23. Review status: criteria provided, single submitter. Criteria: Invitae Variant Classification Sherloc (09022015). Collection method: clinical testing. Allele origin: germline.
Comment: In summary, the available evidence is currently insufficient to determine the role of this variant in disease. Therefore, it has been classified as a Variant of Uncertain Significance. Algorithms developed to predict the effect of missense changes on protein structure and function are either unavailable or do not agree on the potential impact of this missense change (SIFT: "Deleterious"; PolyPhen-2: "Benign"; Align-GVGD: "Class C0"). This variant has not been reported in the literature in individuals affected with TUBGCP6-related conditions. This variant is present in population databases (rs760971600, gnomAD 0.003%). This sequence change replaces arginine, which is basic and polar, with tryptophan, which is neutral and slightly polar, at codon 611 of the TUBGCP6 protein (p.Arg611Trp).

NM_020461.4(TUBGCP6):c.1831C>T (p.Arg611Trp)

Gene: TUBGCP6 (tubulin gamma complex component 6; minus strand). Cytogenetic location: 22q13.33.
Variant type: single nucleotide variant.
Coding change: c.1831C>T on transcript NM_020461.4 (MANE Select); coding-DNA position 1831, C replaced by T.
Protein change: p.Arg611Trp; replaces arginine 611 with tryptophan.
Molecular consequence: missense variant.
Genome position (GRCh38, 1-based): chr22:50,226,052, G>A on the plus strand (C>T on the coding strand, the complement: TUBGCP6 is on the minus strand). VCF-style: chr22-50226052-G-A. GRCh37 (hg19) VCF-style: chr22-50664481-G-A.
Other names: short protein forms R611W.
Identifiers: ClinVar variation 1945602 (VCV001945602.4), dbSNP rs760971600, ClinGen allele CA10308503.
Genomic context (GRCh38, chr22:50,226,052, plus strand): 5'-ATACTCAGCCCCAGGGAAGACCGGCCCCTCTCTTCCCCACACATGAGCCCCTCCTCACCC[G>A]GGGGCAGCAGAGCTTCAGCAGGTTAATGGTCTTTCCGCAGACGTATATGTCGTGGGCAAT-3'
Protein context (NP_065194.3, residues 601-621): TINLLKLCCP[Arg611Trp]HYLCWSDVPV